The following is an entry in ClinVar:

ClinVar aggregate classification (germline): Uncertain significance (1 of 4 stars; one submission).

Conditions:
Inborn genetic diseases. Identifiers: MedGen C0950123, MeSH D030342.

Submission:

Ambry Genetics
Classification: Uncertain significance for Inborn genetic diseases. Last evaluated: 2025-04-05. Review status: criteria provided, single submitter. Criteria: Ambry Variant Classification Scheme 2023. Collection method: clinical testing. Allele origin: germline.
Comment: The p.I919L variant (also known as c.2755A>C), located in coding exon 13 of the ASXL1 gene, results from an A to C substitution at nucleotide position 2755. The isoleucine at codon 919 is replaced by leucine, an amino acid with highly similar properties. This amino acid position is conserved. In addition, this alteration is predicted to be tolerated by in silico analysis. Based on the available evidence, the clinical significance of this variant remains unclear.

NM_015338.6(ASXL1):c.2755A>C (p.Ile919Leu)

Gene: ASXL1 (ASXL transcriptional regulator 1; plus strand). Cytogenetic location: 20q11.21.
Variant type: single nucleotide variant.
Coding change: c.2755A>C on transcript NM_015338.6 (MANE Select); coding-DNA position 2755, A replaced by C.
Protein change: p.Ile919Leu; replaces isoleucine 919 with leucine.
Molecular consequence: missense variant.
Genome position (GRCh38, 1-based): chr20:32,435,467, A>C. VCF-style: chr20-32435467-A-C. GRCh37 (hg19) VCF-style: chr20-31023270-A-C.
Other names: c.2572A>C, p.Ile858Leu (NM_001363734.1); short protein forms I919L, I858L.
Identifiers: ClinVar variation 3955819 (VCV003955819.1).
Genomic context (GRCh38, chr20:32,435,467, plus strand): 5'-ATACCCATCCCATCGAATGATGAGGTAGTGAAACAGCCCAAACCAGAATCCAGAGAACAC[A>C]TACCATCTGTTGAGCCCCAGGTTGGAGAGGAGTGGGAGAAAGCTGCTCCCACCCCTCCTG-3'
Protein context (NP_056153.2, residues 909-929): KQPKPESREH[Ile919Leu]PSVEPQVGEE